The following is an entry in ClinVar:

ClinVar aggregate classification (germline): Uncertain significance. Review status: criteria provided, multiple submitters, no conflicts (2 of 4 stars). 3 submissions from 3 submitters: Uncertain significance (3). Last evaluated 2025-11-06.

Conditions:
Myofibrillar myopathy 4. Also called: Zaspopathy (type). Identifiers: Orphanet 98912, MedGen C4721886, MONDO:0012277, OMIM 609452.
Cardiovascular phenotype. Identifiers: MedGen CN230736.

Allele frequency attached by ClinVar (database versions not stated): gnomAD exomes below 0.00001 and 0.00001; gnomAD 0.00001; TOPMed 0.00001; ESP Exome Variant Server 0.00008.
gnomAD v4.1: 10 of 1,612,850 alleles (0.00062%); highest among the groups gnomAD compares: Non-Finnish European, 0.00085%; no homozygotes.

Submissions (3):

Labcorp Genetics (formerly Invitae), Labcorp
Classification: Uncertain significance for Myofibrillar myopathy 4. Last evaluated: 2025-11-06. Review status: criteria provided, single submitter. Criteria: Invitae Variant Classification Sherloc (09022015). Collection method: clinical testing. Allele origin: germline.
Comment: The LDB3 gene has multiple clinically relevant transcripts. This variant occurs in alternate transcript NM_007078.3, and corresponds to NM_001080116.1:c.*10577C>T in the primary transcript. This sequence change replaces proline, which is neutral and non-polar, with serine, which is neutral and polar, at codon 378 of the LDB3 protein (p.Pro378Ser). This variant is present in population databases (rs373546361, gnomAD 0.0009%). This variant has not been reported in the literature in individuals affected with LDB3-related conditions. Experimental studies and prediction algorithms are not available or were not evaluated, and the functional significance of this variant is currently unknown. In summary, the available evidence is currently insufficient to determine the role of this variant in disease. Therefore, it has been classified as a Variant of Uncertain Significance.

Ambry Genetics
Classification: Uncertain significance for Cardiovascular phenotype. Last evaluated: 2025-04-07. Review status: criteria provided, single submitter. Criteria: Ambry Variant Classification Scheme 2023. Collection method: clinical testing. Allele origin: germline.
Comment: The p.P378S variant (also known as c.1132C>T), located in coding exon 8 of the LDB3 gene, results from a C to T substitution at nucleotide position 1132. The proline at codon 378 is replaced by serine, an amino acid with similar properties. This amino acid position is well conserved in available vertebrate species. In addition, this alteration is predicted to be tolerated by in silico analysis. Since supporting evidence is limited at this time, the clinical significance of this alteration remains unclear.

GeneDx
Classification: Uncertain significance. Last evaluated: 2024-04-15. Review status: criteria provided, single submitter. Criteria: GeneDx Variant Classification Process June 2021. Collection method: clinical testing. Allele origin: germline. Affected: yes.
Comment: Has not been previously published as pathogenic or benign to our knowledge; Not observed at significant frequency in large population cohorts (gnomAD); In silico analysis suggests this variant may impact gene splicing. In the absence of RNA/functional studies, the actual effect of this sequence change is unknown.; In silico analysis supports that this missense variant does not alter protein structure/function; Reported using an alternate transcript of the gene

NM_007078.3(LDB3):c.1132C>T (p.Pro378Ser)

Gene: LDB3 (LIM domain binding 3; plus strand). Cytogenetic location: 10q23.2.
Variant type: single nucleotide variant.
Coding change: c.1132C>T on transcript NM_007078.3 (MANE Select); coding-DNA position 1132, C replaced by T.
Protein change: p.Pro378Ser; replaces proline 378 with serine.
Molecular consequence: missense variant.
Genome position (GRCh38, 1-based): chr10:86,709,951, C>T. VCF-style: chr10-86709951-C-T. GRCh37 (hg19) VCF-style: chr10-88469708-C-T.
Other names: c.1132C>T (LRG_385t1); c.802C>T, p.Pro268Ser (NM_001080114.2); c.1147C>T, p.Pro383Ser (NM_001171610.2); c.943C>T, p.Pro315Ser (NM_001368064.1, NM_001368065.1); c.991C>T, p.Pro331Ser (NM_001368066.1); short protein forms P378S, P315S, P268S, P383S, P331S.
Identifiers: ClinVar variation 575047 (VCV000575047.11), dbSNP rs373546361, ClinGen allele CA211199091.